The following is an entry in ClinVar:

NM_012471.3(TRPC5):c.141T>G (p.Thr47=)

Gene: TRPC5 (transient receptor potential cation channel subfamily C member 5; minus strand). Cytogenetic location: Xq23.
Variant type: single nucleotide variant.
Coding change: c.141T>G on transcript NM_012471.3 (MANE Select); coding-DNA position 141, T replaced by G.
Protein change: p.Thr47=; no amino-acid change (threonine 47 retained).
Molecular consequence: synonymous variant.
Genome position (GRCh38, 1-based): chrX:111,952,280, A>C on the plus strand (T>G on the coding strand, the complement: TRPC5 is on the minus strand). VCF-style: chrX-111952280-A-C. GRCh37 (hg19) VCF-style: chrX-111195508-A-C.
Identifiers: ClinVar variation 3032167 (VCV003032167.2), dbSNP rs368534615, ClinGen allele CA10494452.

ClinVar aggregate classification (germline): Likely benign (0 of 4 stars; one submission).

Conditions:
TRPC5-related disorder. Also called: TRPC5-related condition.

Allele frequency attached by ClinVar (database versions not stated): TOPMed 0.00001; ExAC 0.00002; gnomAD 0.00002; gnomAD exomes 0.00007; ESP Exome Variant Server 0.00009.
gnomAD v4.1: 75 of 1,210,396 alleles (0.0062%); highest among the groups gnomAD compares: Non-Finnish European, 0.0083%; no homozygotes.

Submission:

PreventionGenetics, part of Exact Sciences
Classification: Likely benign for TRPC5-related condition. Last evaluated: 2023-06-14. Review status: no assertion criteria provided. Collection method: clinical testing. Allele origin: germline.
Comment: This variant is classified as likely benign based on ACMG/AMP sequence variant interpretation guidelines (Richards et al. 2015 PMID: 25741868, with internal and published modifications).